The following is an entry in ClinVar:

NM_014991.6(WDFY3):c.1309C>T (p.Leu437Phe)

Gene: WDFY3 (WD repeat and FYVE domain containing 3; minus strand). Cytogenetic location: 4q21.23.
Variant type: single nucleotide variant.
Coding change: c.1309C>T on transcript NM_014991.6 (MANE Select); coding-DNA position 1309, C replaced by T.
Protein change: p.Leu437Phe; replaces leucine 437 with phenylalanine.
Molecular consequence: missense variant.
Genome position (GRCh38, 1-based): chr4:84,821,366, G>A on the plus strand (C>T on the coding strand, the complement: WDFY3 is on the minus strand). VCF-style: chr4-84821366-G-A. GRCh37 (hg19) VCF-style: chr4-85742519-G-A.
Other names: short protein forms L437F.
Identifiers: ClinVar variation 1311271 (VCV001311271.3), dbSNP rs1396553299, ClinGen allele CA357572320.

ClinVar aggregate classification (germline): Uncertain significance (1 of 4 stars; one submission).

Submission:

GeneDx
Classification: Uncertain significance. Last evaluated: 2025-01-15. Review status: criteria provided, single submitter. Criteria: GeneDx Variant Classification Process June 2021. Collection method: clinical testing. Allele origin: germline. Affected: yes.
Comment: Not observed in large population cohorts (gnomAD); In silico analysis, which includes protein predictors and evolutionary conservation, supports that this variant does not alter protein structure/function; Has not been previously published as pathogenic or benign to our knowledge